The following is an entry in ClinVar:

NM_001378452.1(ITPR1):c.5881G>A (p.Ala1961Thr)

Gene: ITPR1 (inositol 1,4,5-trisphosphate receptor type 1; plus strand). Cytogenetic location: 3p26.1.
Variant type: single nucleotide variant.
Coding change: c.5881G>A on transcript NM_001378452.1 (MANE Select); coding-DNA position 5881, G replaced by A.
Protein change: p.Ala1961Thr; replaces alanine 1961 with threonine.
Molecular consequence: missense variant.
Genome position (GRCh38, 1-based): chr3:4,768,666, G>A. VCF-style: chr3-4768666-G-A. GRCh37 (hg19) VCF-style: chr3-4810350-G-A.
Other names: c.5737G>A, p.Ala1913Thr (NM_001099952.4); c.5836G>A, p.Ala1946Thr (NM_001168272.2); c.5692G>A, p.Ala1898Thr (NM_002222.7); c.5692G>A (NM_002222.5); short protein forms A1898T, A1946T, A1961T, A1913T.
Identifiers: ClinVar variation 1929688 (VCV001929688.6), dbSNP rs2045976423, ClinGen allele CA351635261.
Genomic context (GRCh38, chr3:4,768,666, plus strand): 5'-GAGGCTGATCCCGACGACCACTACCAGCCTGGAGAGGGCACCCAGGCCACTGCCGACAAG[G>A]CCAAGGACGACCTGGAGATGAGCGCGGTCATCACCATCATGCAGCCCATCCTCCGCTTCC-3'
Protein context (NP_001365381.1, residues 1951-1971): GEGTQATADK[Ala1961Thr]KDDLEMSAVI

ClinVar aggregate classification (germline): Conflicting classifications of pathogenicity. Review status: criteria provided, conflicting classifications (1 of 4 stars). 2 submissions from 2 submitters: Uncertain significance (1); Likely benign (1). Last evaluated 2024-10-20.

Conditions:
Inborn genetic diseases. Identifiers: MedGen C0950123, MeSH D030342.

Allele frequency attached by ClinVar (database versions not stated): gnomAD exomes below 0.00001; TOPMed 0.00001.
gnomAD v4.1: 1 of 1,613,944 alleles (0.000062%); highest among the groups gnomAD compares: Middle Eastern, 0.016%; no homozygotes.

Submissions (2):

Ambry Genetics
Classification: Likely benign for Inborn genetic diseases. Last evaluated: 2024-10-20. Review status: criteria provided, single submitter. Criteria: Ambry Variant Classification Scheme 2023. Collection method: clinical testing. Allele origin: germline.

Labcorp Genetics (formerly Invitae), Labcorp
Classification: Uncertain significance. Last evaluated: 2024-04-15. Review status: criteria provided, single submitter. Criteria: Invitae Variant Classification Sherloc (09022015). Collection method: clinical testing. Allele origin: germline.
Comment: This sequence change replaces alanine, which is neutral and non-polar, with threonine, which is neutral and polar, at codon 1898 of the ITPR1 protein (p.Ala1898Thr). This variant is not present in population databases (gnomAD no frequency). This variant has not been reported in the literature in individuals affected with ITPR1-related conditions. ClinVar contains an entry for this variant (Variation ID: 1929688). Advanced modeling of protein sequence and biophysical properties (such as structural, functional, and spatial information, amino acid conservation, physicochemical variation, residue mobility, and thermodynamic stability) performed at Invitae indicates that this missense variant is not expected to disrupt ITPR1 protein function with a negative predictive value of 95%. In summary, the available evidence is currently insufficient to determine the role of this variant in disease. Therefore, it has been classified as a Variant of Uncertain Significance.